The following is an entry in ClinVar:

NM_006389.5(HYOU1):c.2444G>A (p.Arg815His)

Gene: HYOU1 (hypoxia up-regulated 1; minus strand). Cytogenetic location: 11q23.3.
Variant type: single nucleotide variant.
Coding change: c.2444G>A on transcript NM_006389.5 (MANE Select); coding-DNA position 2444, G replaced by A.
Protein change: p.Arg815His; replaces arginine 815 with histidine.
Molecular consequence: missense variant.
Genome position (GRCh38, 1-based): chr11:119,048,013, C>T on the plus strand (G>A on the coding strand, the complement: HYOU1 is on the minus strand). VCF-style: chr11-119048013-C-T. GRCh37 (hg19) VCF-style: chr11-118918725-C-T.
Other names: c.2444G>A, p.Arg815His (NM_001130991.3, NM_001411041.1); c.2444G>A (NM_006389.3); short protein forms R815H.
Identifiers: ClinVar variation 1953953 (VCV001953953.6), dbSNP rs782591122, ClinGen allele CA229618208.

ClinVar aggregate classification (germline): Uncertain significance. Review status: criteria provided, multiple submitters, no conflicts (2 of 4 stars). 2 submissions from 2 submitters: Uncertain significance (2). Last evaluated 2025-07-20.

Allele frequency attached by ClinVar (database versions not stated): TOPMed 0.00002.
gnomAD v4.1: 11 of 1,614,180 alleles (0.00068%); highest among the groups gnomAD compares: Admixed American, 0.005%; no homozygotes.

Submissions (2):

Labcorp Genetics (formerly Invitae), Labcorp
Classification: Uncertain significance. Last evaluated: 2025-07-20. Review status: criteria provided, single submitter. Criteria: Invitae Variant Classification Sherloc (09022015). Collection method: clinical testing. Allele origin: germline.
Comment: This sequence change replaces arginine, which is basic and polar, with histidine, which is basic and polar, at codon 815 of the HYOU1 protein (p.Arg815His). This variant is present in population databases (rs782591122, gnomAD 0.007%). This variant has not been reported in the literature in individuals affected with HYOU1-related conditions. ClinVar contains an entry for this variant (Variation ID: 1953953). An algorithm developed to predict the effect of missense changes on protein structure and function (PolyPhen-2) suggests that this variant is likely to be tolerated. In summary, the available evidence is currently insufficient to determine the role of this variant in disease. Therefore, it has been classified as a Variant of Uncertain Significance.

Ambry Genetics
Classification: Uncertain significance. Last evaluated: 2025-07-16. Review status: criteria provided, single submitter. Criteria: Ambry Variant Classification Scheme 2023. Collection method: clinical testing. Allele origin: germline.